The following is an entry in ClinVar:

ClinVar aggregate classification (germline): Uncertain significance. Review status: criteria provided, multiple submitters, no conflicts (2 of 4 stars). 3 submissions from 3 submitters: Uncertain significance (3). Last evaluated 2025-11-24.

Conditions:
Inborn genetic diseases. Identifiers: MedGen C0950123, MeSH D030342.
USH2A-related disorder. Also called: USH2A-related condition; USH2A-related disorders. Identifiers: MedGen CN239332.

gnomAD v4.1: 1 of 1,614,156 alleles (0.000062%); highest among the groups gnomAD compares: African/African-American, 0.0013%; no homozygotes.

Submissions (3):

Ambry Genetics
Classification: Uncertain significance for Inborn genetic diseases. Last evaluated: 2025-11-24. Review status: criteria provided, single submitter. Criteria: Ambry Variant Classification Scheme 2023. Collection method: clinical testing. Allele origin: germline.

PreventionGenetics, part of Exact Sciences
Classification: Uncertain significance for USH2A-related condition. Last evaluated: 2025-02-26. Review status: criteria provided, single submitter. Criteria: ACMG Guidelines, 2015. Collection method: clinical testing. Allele origin: germline.
Comment: The USH2A c.12938C>T variant is predicted to result in the amino acid substitution p.Pro4313Leu. To our knowledge, this variant has not been reported in the literature or in a large population database (gnomAD), indicating this variant is rare. At this time, the clinical significance of this variant is uncertain due to the absence of conclusive functional and genetic evidence.

Blueprint Genetics
Classification: Uncertain significance. Last evaluated: 2024-10-23. Review status: criteria provided, single submitter. Criteria: ACMG Guidelines, 2015. Collection method: clinical testing. Allele origin: germline.

NM_206933.4(USH2A):c.12938C>T (p.Pro4313Leu)

Gene: USH2A (usherin; minus strand). Cytogenetic location: 1q41.
Variant type: single nucleotide variant.
Coding change: c.12938C>T on transcript NM_206933.4 (MANE Select); coding-DNA position 12938, C replaced by T.
Protein change: p.Pro4313Leu; replaces proline 4313 with leucine.
Molecular consequence: missense variant.
Genome position (GRCh38, 1-based): chr1:215,674,973, G>A on the plus strand (C>T on the coding strand, the complement: USH2A is on the minus strand). VCF-style: chr1-215674973-G-A. GRCh37 (hg19) VCF-style: chr1-215848315-G-A.
Other names: short protein forms P4313L.
Identifiers: ClinVar variation 4634227 (VCV004634227.3).